The following is an entry in ClinVar:

ClinVar aggregate classification (germline): Uncertain significance (1 of 4 stars; one submission).

Submission:

Labcorp Genetics (formerly Invitae), Labcorp
Classification: Uncertain significance. Last evaluated: 2024-05-06. Review status: criteria provided, single submitter. Criteria: Invitae Variant Classification Sherloc (09022015). Collection method: clinical testing. Allele origin: germline.
Comment: This sequence change replaces serine, which is neutral and polar, with arginine, which is basic and polar, at codon 2202 of the ARID1A protein (p.Ser2202Arg). This variant is not present in population databases (gnomAD no frequency). This variant has not been reported in the literature in individuals affected with ARID1A-related conditions. Advanced modeling of protein sequence and biophysical properties (such as structural, functional, and spatial information, amino acid conservation, physicochemical variation, residue mobility, and thermodynamic stability) has been performed at Invitae for this missense variant, however the output from this modeling did not meet the statistical confidence thresholds required to predict the impact of this variant on ARID1A protein function. In summary, the available evidence is currently insufficient to determine the role of this variant in disease. Therefore, it has been classified as a Variant of Uncertain Significance.

NM_006015.6(ARID1A):c.6606C>A (p.Ser2202Arg)

Gene: ARID1A (AT-rich interaction domain 1A; plus strand). Cytogenetic location: 1p36.11.
Variant type: single nucleotide variant.
Coding change: c.6606C>A on transcript NM_006015.6 (MANE Select); coding-DNA position 6606, C replaced by A.
Protein change: p.Ser2202Arg; replaces serine 2202 with arginine.
Molecular consequence: missense variant.
Genome position (GRCh38, 1-based): chr1:26,780,504, C>A. VCF-style: chr1-26780504-C-A. GRCh37 (hg19) VCF-style: chr1-27106995-C-A.
Other names: c.5955C>A, p.Ser1985Arg (NM_139135.4); short protein forms S2202R, S1985R.
Identifiers: ClinVar variation 2881680 (VCV002881680.3), dbSNP rs1277545892, ClinGen allele CA339193335.